The following is an entry in ClinVar:

NM_000090.4(COL3A1):c.3525+23G>C

Gene: COL3A1 (collagen type III alpha 1 chain; plus strand). Cytogenetic location: 2q32.2.
Variant type: single nucleotide variant.
Coding change: c.3525+23G>C on transcript NM_000090.4 (MANE Select); 23 bases into the intron after coding-DNA position 3525, G replaced by C.
Molecular consequence: intron variant.
Genome position (GRCh38, 1-based): chr2:189,008,165, G>C. VCF-style: chr2-189008165-G-C. GRCh37 (hg19) VCF-style: chr2-189872891-G-C.
Identifiers: ClinVar variation 674623 (VCV000674623.2), dbSNP rs41265547, ClinGen allele CA076160.

ClinVar aggregate classification (germline): Benign. Review status: criteria provided, multiple submitters, no conflicts (2 of 4 stars). 2 submissions from 2 submitters: Benign (2). Last evaluated 2018-06-18.

Allele frequency attached by ClinVar (database versions not stated): gnomAD exomes 0.02238; ExAC 0.03689; gnomAD 0.06645 and 0.07099; ESP Exome Variant Server 0.07174; TOPMed 0.07283; 1000 Genomes Project 0.07348; 1000 Genomes Project 30x 0.07761.
gnomAD v4.1: 30,294 of 1,579,000 alleles (1.9%); highest among the groups gnomAD compares: African/African-American, 21%; 1,761 homozygotes.

Submissions (2):

GeneDx
Classification: Benign. Last evaluated: 2018-06-18. Review status: criteria provided, single submitter. Criteria: GeneDx Variant Classification (06012015). Collection method: clinical testing. Allele origin: germline. Affected: yes.
Comment: This variant is considered likely benign or benign based on one or more of the following criteria: it is a conservative change, it occurs at a poorly conserved position in the protein, it is predicted to be benign by multiple in silico algorithms, and/or has population frequency not consistent with disease.

Breakthrough Genomics
Classification: Benign. Review status: criteria provided, single submitter. Criteria: ACMG Guidelines, 2015. Collection method: not provided. Allele origin: germline. Inheritance: Autosomal recessive inheritance. Affected: yes.